The following is an entry in ClinVar:

NM_144997.7(FLCN):c.1139A>G (p.Asp380Gly)

Gene: FLCN (folliculin; minus strand). Cytogenetic location: 17p11.2.
Variant type: single nucleotide variant.
Coding change: c.1139A>G on transcript NM_144997.7 (MANE Select); coding-DNA position 1139, A replaced by G.
Protein change: p.Asp380Gly; replaces aspartic acid 380 with glycine.
Molecular consequence: missense variant.
Genome position (GRCh38, 1-based): chr17:17,217,106, T>C on the plus strand (A>G on the coding strand, the complement: FLCN is on the minus strand). VCF-style: chr17-17217106-T-C. GRCh37 (hg19) VCF-style: chr17-17120420-T-C.
Other names: c.1193A>G, p.Asp398Gly (NM_001353229.2); c.1139A>G, p.Asp380Gly (NM_001353230.2, NM_001353231.2); short protein forms D380G, D398G.
Identifiers: ClinVar variation 2566317 (VCV002566317.2), dbSNP rs2544172657, ClinGen allele CA398532228.
Genomic context (GRCh38, chr17:17,217,106, plus strand): 5'-ACCTAAGGAAAAGATGTTCTCACCCGAAGTACTTCAAAAGCTGACTGGACGAGGTCCACG[T>C]CTCTGCTTTTCCAGATCACCTGGTTCCCCATGAGAACGTGCCAGGCCAGCATGCGGAAAG-3'
Protein context (NP_659434.2, residues 370-390): MGNQVIWKSR[Asp380Gly]VDLVQSAFEV

ClinVar aggregate classification (germline): Uncertain significance (1 of 4 stars; one submission).

Conditions:
Hereditary cancer-predisposing syndrome. Also called: Neoplastic Syndromes, Hereditary; Hereditary Cancer Syndrome; Hereditary neoplastic syndrome; Tumor predisposition. Identifiers: Orphanet 140162, MedGen C0027672, MeSH D009386, MONDO:0015356.

Submission:

Ambry Genetics
Classification: Uncertain significance for Hereditary cancer-predisposing syndrome. Last evaluated: 2023-04-16. Review status: criteria provided, single submitter. Criteria: Ambry Variant Classification Scheme 2023. Collection method: clinical testing. Allele origin: germline.
Comment: The p.D380G variant (also known as c.1139A>G), located in coding exon 7 of the FLCN gene, results from an A to G substitution at nucleotide position 1139. The aspartic acid at codon 380 is replaced by glycine, an amino acid with similar properties. This amino acid position is conserved. In addition, the in silico prediction for this alteration is inconclusive. Since supporting evidence is limited at this time, the clinical significance of this alteration remains unclear.